The following is an entry in ClinVar:

ClinVar aggregate classification (germline): Conflicting classifications of pathogenicity. Review status: criteria provided, conflicting classifications (1 of 4 stars). 2 submissions from 2 submitters: Likely pathogenic (1); Uncertain significance (1). Last evaluated 2026-02-09.

Conditions:
Deficiency of steroid 11-beta-monooxygenase (CYP11B1). Also called: ADRENAL HYPERPLASIA IV; ADRENAL HYPERPLASIA, CONGENITAL, DUE TO STEROID 11-BETA-HYDROXYLASE DEFICIENCY; 11-BETA-HYDROXYLASE DEFICIENCY; P450C11B1 DEFICIENCY; STEROID 11-BETA-HYDROXYLASE DEFICIENCY; Congenital adrenal hyperplasia due to 11-beta-hydroxylase deficiency. Identifiers: Orphanet 90795, MedGen C0268292, MONDO:0008729, OMIM 202010. Disease mechanism: loss of function.

Allele frequency attached by ClinVar (database versions not stated): ExAC 0.00001.
gnomAD v4.1: 2 of 1,614,218 alleles (0.00012%); highest among the groups gnomAD compares: Non-Finnish European, 0.00017%; no homozygotes.

Submissions (2):

Myriad Genetics, Inc.
Classification: Uncertain significance for Deficiency of steroid 11-beta-monooxygenase. Last evaluated: 2026-02-09. Review status: criteria provided, single submitter. Criteria: Myriad Autosomal Dominant, Autosomal Recessive and X-Linked Classification Criteria (2023). Collection method: clinical testing. Allele origin: unknown.
Comment: NM_000497.3(CYP11B1):c.896T>A(L299Q) is a missense variant classified as a variant of uncertain significance in the context of congenital adrenal hyperplasia, CYP11B1-related. L299Q has not been observed in cases with relevant disease. Relevant functional assessments of this variant are not available in the literature. L299Q has been observed in referenced population frequency databases. In summary, there is insufficient evidence to classify NM_000497.3(CYP11B1):c.896T>A(L299Q) as pathogenic or benign. Please note: this variant was assessed in the context of healthy population screening.

Labcorp Genetics (formerly Invitae), Labcorp
Classification: Likely pathogenic. Last evaluated: 2023-09-08. Review status: criteria provided, single submitter. Criteria: Invitae Variant Classification Sherloc (09022015). Collection method: clinical testing. Allele origin: germline.
Comment: This sequence change replaces leucine, which is neutral and non-polar, with glutamine, which is neutral and polar, at codon 299 of the CYP11B1 protein (p.Leu299Gln). This variant is present in population databases (rs387907573, gnomAD 0.0009%). This variant has not been reported in the literature in individuals affected with CYP11B1-related conditions. Advanced modeling of protein sequence and biophysical properties (such as structural, functional, and spatial information, amino acid conservation, physicochemical variation, residue mobility, and thermodynamic stability) performed at Invitae indicates that this missense variant is expected to disrupt CYP11B1 protein function. This variant disrupts the p.Leu299 amino acid residue in CYP11B1. Other variant(s) that disrupt this residue have been determined to be pathogenic (PMID: 15755848, 18663314, 28228528, 33830237). This suggests that this residue is clinically significant, and that variants that disrupt this residue are likely to be disease-causing. In summary, the currently available evidence indicates that the variant is pathogenic, but additional data are needed to prove that conclusively. Therefore, this variant has been classified as Likely Pathogenic.

Literature cited by the submitters: PubMed 15755848 (cited by Labcorp Genetics (formerly Invitae), Labcorp); PubMed 18663314 (cited by Labcorp Genetics (formerly Invitae), Labcorp); PubMed 28228528 (cited by Labcorp Genetics (formerly Invitae), Labcorp); PubMed 33830237 (cited by Labcorp Genetics (formerly Invitae), Labcorp).

NM_000497.4(CYP11B1):c.896T>A (p.Leu299Gln)

Genes: CYP11B1 (cytochrome P450 family 11 subfamily B member 1; minus strand), LOC106799833 (CYP11B1 recombination region; plus strand). Cytogenetic location: 8q24.3.
Variant type: single nucleotide variant.
Coding change: c.896T>A on transcript NM_000497.4 (MANE Select); coding-DNA position 896, T replaced by A.
Protein change: p.Leu299Gln; replaces leucine 299 with glutamine.
Molecular consequence: missense variant.
Genome position (GRCh38, 1-based): chr8:142,876,299, A>T on the plus strand (T>A on the coding strand, the complement: CYP11B1 is on the minus strand). VCF-style: chr8-142876299-A-T. GRCh37 (hg19) VCF-style: chr8-143957715-A-T.
Other names: c.896T>A, p.Leu299Gln (NM_001026213.1); short protein forms L299Q.
Identifiers: ClinVar variation 3018061 (VCV003018061.4), dbSNP rs387907573, ClinGen allele CA4905267.